The following is an entry in ClinVar:

ClinVar aggregate classification (germline): Uncertain significance (1 of 4 stars; one submission).

gnomAD v4.1: 3 of 1,613,240 alleles (0.00019%); highest among the groups gnomAD compares: Non-Finnish European, 0.00025%; no homozygotes.

Submission:

Labcorp Genetics (formerly Invitae), Labcorp
Classification: Uncertain significance. Last evaluated: 2025-02-13. Review status: criteria provided, single submitter. Criteria: Invitae Variant Classification Sherloc (09022015). Collection method: clinical testing. Allele origin: germline.
Comment: This sequence change replaces asparagine, which is neutral and polar, with serine, which is neutral and polar, at codon 2411 of the FAT4 protein (p.Asn2411Ser). This variant is not present in population databases (gnomAD no frequency). This variant has not been reported in the literature in individuals affected with FAT4-related conditions. Invitae Evidence Modeling of protein sequence and biophysical properties (such as structural, functional, and spatial information, amino acid conservation, physicochemical variation, residue mobility, and thermodynamic stability) indicates that this missense variant is not expected to disrupt FAT4 protein function with a negative predictive value of 80%. In summary, the available evidence is currently insufficient to determine the role of this variant in disease. Therefore, it has been classified as a Variant of Uncertain Significance.

NM_001291303.3(FAT4):c.7238A>G (p.Asn2413Ser)

Gene: FAT4 (FAT atypical cadherin 4; plus strand). Cytogenetic location: 4q28.1.
Variant type: single nucleotide variant.
Coding change: c.7238A>G on transcript NM_001291303.3 (MANE Select); coding-DNA position 7238, A replaced by G.
Protein change: p.Asn2413Ser; replaces asparagine 2413 with serine.
Molecular consequence: missense variant.
Genome position (GRCh38, 1-based): chr4:125,446,331, A>G. VCF-style: chr4-125446331-A-G. GRCh37 (hg19) VCF-style: chr4-126367486-A-G.
Other names: c.7238A>G, p.Asn2413Ser (NM_001291285.3, NM_001438396.1, NM_001438397.1); c.2009A>G, p.Asn670Ser (NM_001437895.1); c.7232A>G, p.Asn2411Ser (NM_024582.6); short protein forms N2411S, N2413S, N670S.
Identifiers: ClinVar variation 4805917 (VCV004805917.1).
Genomic context (GRCh38, chr4:125,446,331, plus strand): 5'-CTATTTCTGCTTTCTGCTTTAGTTATAGGATCATCGGTGGAAACTCTCAGTTCACGATCA[A>G]CCCATCGACAGGACAAATCATCACCAGCGCATTGTTAGATAGGGAAACAAAAGATAATTA-3'
Protein context (NP_001278232.1, residues 2403-2423): IIGGNSQFTI[Asn2413Ser]PSTGQIITSA